The following is an entry in ClinVar:

ClinVar aggregate classification (germline): Uncertain significance (1 of 4 stars; one submission).

Submission:

GeneDx
Classification: Uncertain significance. Last evaluated: 2025-03-17. Review status: criteria provided, single submitter. Criteria: GeneDx Variant Classification Process June 2021. Collection method: clinical testing. Allele origin: germline. Affected: yes.
Comment: Not observed at significant frequency in large population cohorts (gnomAD); Has not been previously published as pathogenic or benign to our knowledge; Nonsense variant predicted to result in protein truncation as the last 10 amino acids are lost with an unclear effect on protein function

NM_005850.5(SF3B4):c.1243C>T (p.Arg415Ter)

Gene: SF3B4 (splicing factor 3b subunit 4; minus strand). Cytogenetic location: 1q21.2.
Variant type: single nucleotide variant.
Coding change: c.1243C>T on transcript NM_005850.5 (MANE Select); coding-DNA position 1243, C replaced by T.
Protein change: p.Arg415Ter; replaces arginine 415 with a stop codon.
Molecular consequence: nonsense.
Genome position (GRCh38, 1-based): chr1:149,923,574, G>A on the plus strand (C>T on the coding strand, the complement: SF3B4 is on the minus strand). VCF-style: chr1-149923574-G-A. GRCh37 (hg19) VCF-style: chr1-149895466-G-A.
Other names: short protein forms R415*.
Identifiers: ClinVar variation 4086607 (VCV004086607.1).